The following is an entry in ClinVar:

ClinVar aggregate classification (germline): Benign/Likely benign. Review status: criteria provided, multiple submitters, no conflicts (2 of 4 stars). 4 submissions from 4 submitters: Benign (1); Likely benign (2). 1 of the submissions does not count toward it. Last evaluated 2025-12-19.

Conditions:
FN1-related disorder. Also called: FN1-related condition.

Allele frequency attached by ClinVar (database versions not stated): 1000 Genomes Project 30x 0.00016; 1000 Genomes Project 0.00020; gnomAD 0.00122 and 0.00130; ESP Exome Variant Server 0.00123; gnomAD exomes 0.00136 and 0.00185; TOPMed 0.00137; ExAC 0.00150.
gnomAD v4.1: 2,872 of 1,614,132 alleles (0.18%); highest among the groups gnomAD compares: Non-Finnish European, 0.22%; 2 homozygotes.

Submissions (4):

Labcorp Genetics (formerly Invitae), Labcorp
Classification: Likely benign. Last evaluated: 2025-12-19. Review status: criteria provided, single submitter. Criteria: Invitae Variant Classification Sherloc (09022015). Collection method: clinical testing. Allele origin: germline.

Blueprint Genetics
Classification: Likely benign. Last evaluated: 2024-11-19. Review status: criteria provided, single submitter. Criteria: ACMG Guidelines, 2015. Collection method: clinical testing. Allele origin: germline.

GeneDx
Classification: Benign. Last evaluated: 2021-05-06. Review status: criteria provided, single submitter. Criteria: GeneDx Variant Classification Process June 2021. Collection method: clinical testing. Allele origin: germline. Affected: yes.

PreventionGenetics, part of Exact Sciences
Classification: Likely benign for FN1-related condition. Last evaluated: 2019-08-29. Review status: no assertion criteria provided. Collection method: clinical testing. Allele origin: germline. Not counted in ClinVar's aggregate classification.
Comment: This variant is classified as likely benign based on ACMG/AMP sequence variant interpretation guidelines (Richards et al. 2015 PMID: 25741868, with internal and published modifications).

NM_212482.4(FN1):c.751A>T (p.Asn251Tyr)

Gene: FN1 (fibronectin 1; minus strand). Cytogenetic location: 2q35.
Variant type: single nucleotide variant.
Coding change: c.751A>T on transcript NM_212482.4 (MANE Select); coding-DNA position 751, A replaced by T.
Protein change: p.Asn251Tyr; replaces asparagine 251 with tyrosine.
Molecular consequence: missense variant.
Genome position (GRCh38, 1-based): chr2:215,428,273, T>A on the plus strand (A>T on the coding strand, the complement: FN1 is on the minus strand). VCF-style: chr2-215428273-T-A. GRCh37 (hg19) VCF-style: chr2-216292996-T-A.
Other names: c.751A>T, p.Asn251Tyr (NM_001306129.2, NM_001306130.2, NM_001306131.2 and 14 more transcripts); short protein forms N251Y.
Identifiers: ClinVar variation 729557 (VCV000729557.14), dbSNP rs55822567, ClinGen allele CA2095476.